The following is an entry in ClinVar:

ClinVar aggregate classification (germline): Likely pathogenic (1 of 4 stars; one submission).

Conditions:
Deficiency of alpha-mannosidase (MANSA). Also called: Mannosidosis, alpha-, types I and II; LYSOSOMAL ALPHA-D-MANNOSIDASE DEFICIENCY; Alpha-Mannosidosis. Identifiers: Orphanet 61, MedGen C0024748, MONDO:0009561, OMIM 248500.

Submission:

Myriad Genetics, Inc.
Classification: Likely pathogenic for Deficiency of alpha-mannosidase. Last evaluated: 2022-04-29. Review status: criteria provided, single submitter. Criteria: Myriad Women's Health Autosomal Recessive and X-Linked Classification Criteria (2021). Collection method: clinical testing. Allele origin: unknown.
Comment: NM_000528.3(MAN2B1):c.2602_2612del11(Q868Gfs*59) is expected to be pathogenic in the context of alpha-mannosidosis. This variant is predicted to lead to an abnormal or absent protein product due to the creation of a premature termination codon in MAN2B1, a gene where loss-of-function variants are known to be pathogenic. Please note: this variant was assessed in the context of healthy population screening.

NM_000528.4(MAN2B1):c.2602_2612del (p.Gln868fs)

Gene: MAN2B1 (mannosidase alpha class 2B member 1; minus strand). Cytogenetic location: 19p13.13.
Variant type: Deletion.
Coding change: c.2602_2612del on transcript NM_000528.4 (MANE Select); coding-DNA positions 2602 to 2612, 11 bases deleted (CAGGTGGTGCT).
Protein change: p.Gln868fs; shifts the reading frame from glutamine 868.
Molecular consequence: frameshift variant.
Genome position (GRCh38, 1-based): chr19:12,648,227-12,648,237, AGCACCACCTG deleted on the plus strand (CAGGTGGTGCT on the coding strand, the reverse complement: MAN2B1 is on the minus strand); deleting any 11 consecutive bases within chr19:12,648,227-12,648,239 gives the same sequence; the c. name uses the placement nearest the transcript's 3' end. VCF-style (leftmost placement, unchanged base first): chr19-12648226-CAGCACCACCTG-C. GRCh37 (hg19) VCF-style: chr19-12759040-CAGCACCACCTG-C.
Other names: c.2599_2609del, p.Gln867fs (NM_001173498.2); short protein forms Q867fs, Q868fs.
Identifiers: ClinVar variation 1725974 (VCV001725974.2), dbSNP rs2512486420, ClinGen allele CA2580096668.
Genomic context (GRCh38, chr19:12,648,226, plus strand): 5'-GCCCCTCACCTGCGTGCGCGGAGGAGCCCCGAGATTGTAGGCGGCGCCGCCACCCGGGGC[CAGCACCACCTG>C]AGGGGCCAGGACCTCCTGCTCCGCCAGGAGCCGGTGTCCGGCGGCTGCAGCCTGGGCTGT-3'